The following is an entry in ClinVar:

NM_004336.5(BUB1):c.2423A>G (p.Asp808Gly)

Gene: BUB1 (BUB1 mitotic checkpoint serine/threonine kinase; minus strand). Cytogenetic location: 2q13.
Variant type: single nucleotide variant.
Coding change: c.2423A>G on transcript NM_004336.5 (MANE Select); coding-DNA position 2423, A replaced by G.
Protein change: p.Asp808Gly; replaces aspartic acid 808 with glycine.
Molecular consequence: missense variant.
Genome position (GRCh38, 1-based): chr2:110,642,159, T>C on the plus strand (A>G on the coding strand, the complement: BUB1 is on the minus strand). VCF-style: chr2-110642159-T-C. GRCh37 (hg19) VCF-style: chr2-111399736-T-C.
Other names: c.2363A>G, p.Asp788Gly (NM_001278616.2); c.2423A>G, p.Asp808Gly (NM_001278617.2); short protein forms D808G, D788G.
Identifiers: ClinVar variation 2451219 (VCV002451219.2), dbSNP rs2467973446, ClinGen allele CA348090913.
Genomic context (GRCh38, chr2:110,642,159, plus strand): 5'-AGACAACTCAGGTCATTTACCTTTAAAACAAATTTCTGTTTATTTTTAGCATCATTCAGA[T>C]CTCCCTGGGTAGCTTCGTACACCTGGGCAAAGGCTCCTTCTCCAAGAAGGTGATGGACAT-3'
Protein context (NP_004327.1, residues 798-818): FAQVYEATQG[Asp808Gly]LNDAKNKQKF

ClinVar aggregate classification (germline): Uncertain significance (1 of 4 stars; one submission).

Submission:

Ambry Genetics
Classification: Uncertain significance. Last evaluated: 2022-11-05. Review status: criteria provided, single submitter. Criteria: Ambry Variant Classification Scheme 2023. Collection method: clinical testing. Allele origin: germline.
Comment: The p.D808G variant (also known as c.2423A>G), located in coding exon 20 of the BUB1 gene, results from an A to G substitution at nucleotide position 2423. The aspartic acid at codon 808 is replaced by glycine, an amino acid with similar properties. This amino acid position is conserved. In addition, this alteration is predicted to be tolerated by in silico analysis. Since supporting evidence is limited at this time, the clinical significance of this alteration remains unclear.